The following is an entry in ClinVar:

ClinVar aggregate classification (germline): Uncertain significance (1 of 4 stars; one submission).

gnomAD v4.1: 6 of 1,208,833 alleles (0.0005%); highest among the groups gnomAD compares: African/African-American, 0.0018%; no homozygotes.

Submission:

Labcorp Genetics (formerly Invitae), Labcorp
Classification: Uncertain significance. Last evaluated: 2025-10-01. Review status: criteria provided, single submitter. Criteria: Invitae Variant Classification Sherloc (09022015). Collection method: clinical testing. Allele origin: germline.
Comment: This sequence change replaces arginine, which is basic and polar, with tryptophan, which is neutral and slightly polar, at codon 84 of the RBM10 protein (p.Arg84Trp). The frequency data for this variant in the population databases is considered unreliable, as metrics indicate poor data quality at this position in the gnomAD database. This variant has not been reported in the literature in individuals affected with RBM10-related conditions. ClinVar contains an entry for this variant (Variation ID: 3692450). Invitae Evidence Modeling of protein sequence and biophysical properties (such as structural, functional, and spatial information, amino acid conservation, physicochemical variation, residue mobility, and thermodynamic stability) indicates that this missense variant is not expected to disrupt RBM10 protein function with a negative predictive value of 80%. In summary, the available evidence is currently insufficient to determine the role of this variant in disease. Therefore, it has been classified as a Variant of Uncertain Significance.

NM_005676.5(RBM10):c.250C>T (p.Arg84Trp)

Gene: RBM10 (RNA binding motif protein 10; plus strand). Cytogenetic location: Xp11.3.
Variant type: single nucleotide variant.
Coding change: c.250C>T on transcript NM_005676.5 (MANE Select); coding-DNA position 250, C replaced by T.
Protein change: p.Arg84Trp; replaces arginine 84 with tryptophan.
Molecular consequence: missense variant. On other transcripts: intron variant (2).
Genome position (GRCh38, 1-based): chrX:47,171,076, C>T. VCF-style: chrX-47171076-C-T. GRCh37 (hg19) VCF-style: chrX-47030475-C-T.
Other names: c.250C>T, p.Arg84Trp (NM_001204467.2); c.445C>T, p.Arg149Trp (NM_001204468.2); c.201+1578C>T (NM_001204466.2, NM_152856.3); short protein forms R149W, R84W.
Identifiers: ClinVar variation 3692450 (VCV003692450.2).
Genomic context (GRCh38, chrX:47,171,076, plus strand): 5'-TCTGTCGGCCAGGATTCCTACGAGGCCTCCCCGGGCTCCGAGACTCAGCGTAGGCGGCGG[C>T]GGCGGCACAGGCACAGCCCCACCGGCCCGCCAGGCTTCCCCCGAGACGGCGACTATCGGG-3'
Protein context (NP_005667.2, residues 74-94): PGSETQRRRR[Arg84Trp]RHRHSPTGPP